The following is an entry in ClinVar:

NM_000156.6(GAMT):c.689C>T (p.Thr230Met)

Gene: GAMT (guanidinoacetate N-methyltransferase; minus strand). Cytogenetic location: 19p13.3.
Variant type: single nucleotide variant.
Coding change: c.689C>T on transcript NM_000156.6 (MANE Select); coding-DNA position 689, C replaced by T.
Protein change: p.Thr230Met; replaces threonine 230 with methionine.
Molecular consequence: missense variant.
Genome position (GRCh38, 1-based): chr19:1,397,381, G>A on the plus strand (C>T on the coding strand, the complement: GAMT is on the minus strand). VCF-style: chr19-1397381-G-A. GRCh37 (hg19) VCF-style: chr19-1397380-G-A.
Other names: p.T230M:ACG>ATG; NM_000156.6(GAMT):c.689C>T; p.Thr230Met; short protein forms T230M.
Identifiers: ClinVar variation 205595 (VCV000205595.11), dbSNP rs776537906, ClinGen allele CA314834.

ClinVar aggregate classification (germline): Uncertain significance. Review status: reviewed by expert panel (3 of 4 stars). 4 submissions from 4 submitters: Uncertain significance (1). 3 of the submissions do not count toward it. Last evaluated 2025-04-28.

Conditions:
Cerebral creatine deficiency syndrome. Also called: Creatine deficiency syndromes. Identifiers: Orphanet 79172, MedGen C5244016, MONDO:0000456.
Deficiency of guanidinoacetate methyltransferase (CCDS2). Also called: GAMT DEFICIENCY; Guanidinoacetate Methyltransferase (GAMT) Deficiency; CEREBRAL CREATINE DEFICIENCY SYNDROME 2. Identifiers: Orphanet 382, MedGen C0574080, MONDO:0012999, OMIM 612736.

Allele frequency attached by ClinVar (database versions not stated): gnomAD 0.00001 and 0.00002; TOPMed 0.00001; gnomAD exomes 0.00002; ExAC 0.00003.

Submissions (4):

ClinGen Cerebral Creatine Deficiency Syndromes Variant Curation Expert Panel, ClinGen
Classification: Uncertain significance for Deficiency of guanidinoacetate methyltransferase. Last evaluated: 2025-04-28. Review status: reviewed by expert panel. Criteria: ClinGen CCDS ACMG Specifications GAMT V2.0.0. Collection method: curation. Allele origin: germline. Inheritance: Autosomal recessive inheritance.
Comment: The NM_000156.6:c.689C>T variant in GAMT is a missense variant in exon 6, predicted to result in the substitution of threonine for methionine at amino acid 230 (p.Thr230Met). The highest population minor allele frequency in gnomAD v4.1.0. is 0.00008784 (8/91070 alleles) in the South Asian population, which is lower than the ClinGen CCDS VCEP’s threshold for PM2_Supporting (<0.0004), meeting this criterion (PM2_Supporting). The computational predictor REVEL gives a score of 0.48 which is neither above nor below the thresholds predicting a damaging (>0.644) or benign (<0.29) impact on GAMT function. SpliceAI predicts that the variant has no impact on splicing. To our knowledge, this variant has not been reported in published literature in individuals with GAMT deficiency, and the results of functional studies are unavailable. This variant has been previously reported in ClinVar (Variation ID: 205595). In summary, this variant meets the criteria to be classified as a variant of uncertain significance for GAMT deficiency. GAMT-specific ACMG/AMP codes met, as specified by the ClinGen Cerebral Creatine Deficiency Syndromes VCEP (Specifications Version 2.0.0): PM2_Supporting (Classification approved by the ClinGen CCDS VCEP on April 25, 2025).

Labcorp Genetics (formerly Invitae), Labcorp
Classification: Uncertain significance for Cerebral creatine deficiency syndrome. Last evaluated: 2022-08-23. Review status: criteria provided, single submitter. Criteria: Invitae Variant Classification Sherloc (09022015). Collection method: clinical testing. Allele origin: germline. Not counted in ClinVar's aggregate classification.
Comment: This sequence change replaces threonine, which is neutral and polar, with methionine, which is neutral and non-polar, at codon 230 of the GAMT protein (p.Thr230Met). This variant is present in population databases (rs776537906, gnomAD 0.01%). This variant has not been reported in the literature in individuals affected with GAMT-related conditions. ClinVar contains an entry for this variant (Variation ID: 205595). Algorithms developed to predict the effect of missense changes on protein structure and function are either unavailable or do not agree on the potential impact of this missense change (SIFT: "Deleterious"; PolyPhen-2: "Probably Damaging"; Align-GVGD: "Class C0"). In summary, the available evidence is currently insufficient to determine the role of this variant in disease. Therefore, it has been classified as a Variant of Uncertain Significance.

GeneDx
Classification: Uncertain significance. Last evaluated: 2014-03-06. Review status: criteria provided, single submitter. Criteria: GeneDx Variant Classification (06012015). Collection method: clinical testing. Allele origin: germline. Affected: yes. Not counted in ClinVar's aggregate classification.
Comment: p.Thr230Met (ACG>ATG): c.689 C>T in exon 6 of the GAMT gene (NM_000156.4) The T230M variant has not been published as a mutation, nor has it been reported as a benign polymorphism to our knowledge. It was not observed in approximately 6,500 individuals of European and African American ancestry in the NHLBI Exome Sequencing Project, indicating it is not a common benign variant in these populations. The T230M variant is a non-conservative amino acid substitution, which is likely to impact secondary protein structure as these residues differ in polarity, charge, size and/or other properties. In addition, this substitution occurs at a position that is conserved across species and in silico analysis predicts this variant is probably damaging to the protein structure/function. However, to our knowledge, nearby missense mutations in the GAMT gene have not been reported in individuals with GAMT-related disorders. Therefore, based on the currently available information, it is unclear whether this variant is a pathogenic mutation or a rare benign variant. The variant is found in EPILEPSY panel(s).

Natera, Inc.
Classification: Uncertain significance for Guanidinoacetate methyltransferase deficiency. Last evaluated: 2019-10-28. Review status: no assertion criteria provided. Collection method: clinical testing. Allele origin: germline. Not counted in ClinVar's aggregate classification.